The following is an entry in ClinVar:

ClinVar aggregate classification (germline): Uncertain significance (1 of 4 stars; one submission).

Allele frequency attached by ClinVar (database versions not stated): gnomAD exomes below 0.00001; ExAC 0.00001; gnomAD 0.00001.
gnomAD v4.1: 3 of 1,613,782 alleles (0.00019%); highest among the groups gnomAD compares: Admixed American, 0.0017%; no homozygotes.

Submission:

Labcorp Genetics (formerly Invitae), Labcorp
Classification: Uncertain significance. Last evaluated: 2022-12-04. Review status: criteria provided, single submitter. Criteria: Invitae Variant Classification Sherloc (09022015). Collection method: clinical testing. Allele origin: germline.
Comment: In summary, the available evidence is currently insufficient to determine the role of this variant in disease. Therefore, it has been classified as a Variant of Uncertain Significance. Algorithms developed to predict the effect of missense changes on protein structure and function (SIFT, PolyPhen-2, Align-GVGD) all suggest that this variant is likely to be tolerated. ClinVar contains an entry for this variant (Variation ID: 971095). This variant has not been reported in the literature in individuals affected with VCAN-related conditions. This variant is present in population databases (rs753104597, gnomAD 0.0009%). This sequence change replaces serine, which is neutral and polar, with isoleucine, which is neutral and non-polar, at codon 2645 of the VCAN protein (p.Ser2645Ile).

NM_004385.5(VCAN):c.7934G>T (p.Ser2645Ile)

Genes: VCAN (versican; plus strand), VCAN-AS1 (VCAN antisense RNA 1; minus strand). Cytogenetic location: 5q14.3.
Variant type: single nucleotide variant.
Coding change: c.7934G>T on transcript NM_004385.5 (MANE Select); coding-DNA position 7934, G replaced by T.
Protein change: p.Ser2645Ile; replaces serine 2645 with isoleucine.
Molecular consequence: missense variant. On other transcripts: intron variant (2).
Genome position (GRCh38, 1-based): chr5:83,540,937, G>T. VCF-style: chr5-83540937-G-T. GRCh37 (hg19) VCF-style: chr5-82836756-G-T.
Other names: c.4973G>T, p.Ser1658Ile (NM_001164097.2); c.4004-4600G>T (NM_001164098.2); c.1043-4600G>T (NM_001126336.3); short protein forms S2645I, S1658I.
Identifiers: ClinVar variation 971095 (VCV000971095.10), dbSNP rs753104597, ClinGen allele CA3333716.